The following is an entry in ClinVar:

ClinVar aggregate classification (germline): Likely benign (1 of 4 stars; one submission).

Allele frequency attached by ClinVar (database versions not stated): gnomAD 0.00001; TOPMed 0.00001; gnomAD exomes 0.00002 and 0.00005; ExAC 0.00003.
gnomAD v4.1: 23 of 1,606,890 alleles (0.0014%); highest among the groups gnomAD compares: Admixed American, 0.012%; no homozygotes.

Submission:

GeneDx
Classification: Likely benign. Last evaluated: 2018-05-08. Review status: criteria provided, single submitter. Criteria: GeneDx Variant Classification (06012015). Collection method: clinical testing. Allele origin: germline. Affected: yes.
Comment: This variant is considered likely benign or benign based on one or more of the following criteria: it is a conservative change, it occurs at a poorly conserved position in the protein, it is predicted to be benign by multiple in silico algorithms, and/or has population frequency not consistent with disease.

NM_013335.4(GMPPA):c.894G>A (p.Ser298=)

Genes: ASIC4-AS1 (ASIC4 antisense RNA 1; minus strand), GMPPA (GDP-mannose pyrophosphorylase A; plus strand). Cytogenetic location: 2q35.
Variant type: single nucleotide variant.
Coding change: c.894G>A on transcript NM_013335.4 (MANE Select); coding-DNA position 894, G replaced by A.
Protein change: p.Ser298=; no amino-acid change (serine 298 retained).
Molecular consequence: synonymous variant.
Genome position (GRCh38, 1-based): chr2:219,505,755, G>A. VCF-style: chr2-219505755-G-A. GRCh37 (hg19) VCF-style: chr2-220370477-G-A.
Other names: c.894G>A, p.Ser298= (NM_205847.3).
Identifiers: ClinVar variation 682213 (VCV000682213.1), dbSNP rs771155229, ClinGen allele CA2128340.